The following is an entry in ClinVar:

ClinVar aggregate classification (germline): Uncertain significance (1 of 4 stars; one submission).

Conditions:
Familial thoracic aortic aneurysm and aortic dissection (TAAD). Also called: Thoracic aortic aneurysms and dissections. Identifiers: Orphanet 91387, MedGen C4707243, MONDO:0019625.

gnomAD v4.1: 10 of 1,614,142 alleles (0.00062%); highest among the groups gnomAD compares: Non-Finnish European, 0.00085%; no homozygotes.

Submission:

Ambry Genetics
Classification: Uncertain significance for Familial thoracic aortic aneurysm and aortic dissection. Last evaluated: 2024-09-15. Review status: criteria provided, single submitter. Criteria: Ambry Variant Classification Scheme 2023. Collection method: clinical testing. Allele origin: germline.
Comment: The p.F15S variant (also known as c.44T>C), located in coding exon 1 of the MYH11 gene, results from a T to C substitution at nucleotide position 44. The phenylalanine at codon 15 is replaced by serine, an amino acid with highly dissimilar properties. This amino acid position is conserved. In addition, this alteration is predicted to be deleterious by in silico analysis. Based on the available evidence, the clinical significance of this variant remains unclear.

NM_002474.3(MYH11):c.44T>C (p.Phe15Ser)

Gene: MYH11 (myosin heavy chain 11; minus strand). Cytogenetic location: 16p13.11.
Variant type: single nucleotide variant.
Coding change: c.44T>C on transcript NM_002474.3 (MANE Select); coding-DNA position 44, T replaced by C.
Protein change: p.Phe15Ser; replaces phenylalanine 15 with serine.
Molecular consequence: missense variant.
Genome position (GRCh38, 1-based): chr16:15,838,209, A>G on the plus strand (T>C on the coding strand, the complement: MYH11 is on the minus strand). VCF-style: chr16-15838209-A-G. GRCh37 (hg19) VCF-style: chr16-15932066-A-G.
Other names: c.44T>C, p.Phe15Ser (NM_001040113.2, NM_001040114.2, NM_022844.3); short protein forms F15S.
Identifiers: ClinVar variation 3400634 (VCV003400634.1).